The following is an entry in ClinVar:

NM_000138.5(FBN1):c.5981G>A (p.Gly1994Glu)

Gene: FBN1 (fibrillin 1; minus strand). Cytogenetic location: 15q21.1.
Variant type: single nucleotide variant.
Coding change: c.5981G>A on transcript NM_000138.5 (MANE Select); coding-DNA position 5981, G replaced by A.
Protein change: p.Gly1994Glu; replaces glycine 1994 with glutamic acid.
Molecular consequence: missense variant.
Genome position (GRCh38, 1-based): chr15:48,444,597, C>T on the plus strand (G>A on the coding strand, the complement: FBN1 is on the minus strand). VCF-style: chr15-48444597-C-T. GRCh37 (hg19) VCF-style: chr15-48736794-C-T.
Other names: short protein forms G1994E.
Identifiers: ClinVar variation 1497291 (VCV001497291.9), dbSNP rs1484900122, ClinGen allele CA392339758.

ClinVar aggregate classification (germline): Uncertain significance. Review status: criteria provided, multiple submitters, no conflicts (2 of 4 stars). 2 submissions from 2 submitters: Uncertain significance (2). Last evaluated 2023-08-31.

Conditions:
Marfan syndrome (MFS). Also called: MARFAN SYNDROME, TYPE I; Marfan syndrome type 1; Marfan's syndrome; Marfan syndrome, classic; FBN1-Related Marfan Syndrome. Identifiers: Orphanet 284963, Orphanet 558, MedGen C0024796, MONDO:0007947, OMIM 154700.
Familial thoracic aortic aneurysm and aortic dissection (TAAD). Also called: Thoracic aortic aneurysms and dissections. Identifiers: Orphanet 91387, MedGen C4707243, MONDO:0019625.

Submissions (2):

Blueprint Genetics
Classification: Uncertain significance. Last evaluated: 2023-08-31. Review status: criteria provided, single submitter. Criteria: ACMG Guidelines, 2015. Collection method: clinical testing. Allele origin: germline.

Labcorp Genetics (formerly Invitae), Labcorp
Classification: Uncertain significance for Marfan syndrome; Familial thoracic aortic aneurysm and aortic dissection. Last evaluated: 2021-04-13. Review status: criteria provided, single submitter. Criteria: Invitae Variant Classification Sherloc (09022015). Collection method: clinical testing. Allele origin: germline.
Comment: In summary, the available evidence is currently insufficient to determine the role of this variant in disease. Therefore, it has been classified as a Variant of Uncertain Significance. Advanced modeling of protein sequence and biophysical properties (such as structural, functional, and spatial information, amino acid conservation, physicochemical variation, residue mobility, and thermodynamic stability) performed at Invitae indicates that this missense variant is expected to disrupt FBN1 protein function. This variant has not been reported in the literature in individuals with FBN1-related conditions. This variant is not present in population databases (ExAC no frequency). This sequence change replaces glycine with glutamic acid at codon 1994 of the FBN1 protein (p.Gly1994Glu). The glycine residue is highly conserved and there is a moderate physicochemical difference between glycine and glutamic acid.